The following is an entry in ClinVar:

NM_001063.4(TF):c.2063C>A (p.Ser688Ter)

Gene: TF (transferrin; plus strand). Cytogenetic location: 3q22.1.
Variant type: single nucleotide variant.
Coding change: c.2063C>A on transcript NM_001063.4 (MANE Select); coding-DNA position 2063, C replaced by A.
Protein change: p.Ser688Ter; replaces serine 688 with a stop codon.
Molecular consequence: nonsense.
Genome position (GRCh38, 1-based): chr3:133,778,586, C>A. VCF-style: chr3-133778586-C-A. GRCh37 (hg19) VCF-style: chr3-133497430-C-A.
Other names: c.1931C>A, p.Ser644Ter (NM_001354703.2); c.1682C>A, p.Ser561Ter (NM_001354704.2); short protein forms S688*, S561*, S644*.
Identifiers: ClinVar variation 5004417 (VCV005004417.1).
Genomic context (GRCh38, chr3:133,778,586, plus strand): 5'-CAGTTCAGAAATAAATATAGGAAGATTTTGAAAATCCTACCTCTCTGCTCTGCTCCACAG[C>A]ACTCCTGGAAGCCTGCACTTTCCGTAGACCTTAAAATCTCAGAGGTAGGGCTGCCACCAA-3'

ClinVar aggregate classification (germline): Uncertain significance (1 of 4 stars; one submission).

Conditions:
Atransferrinemia. Also called: Familial hypotransferrinemia. Identifiers: Orphanet 1195, MedGen C0521802, MONDO:0008846, OMIM 209300, HP:0012239.

gnomAD v4.1: 2 of 1,613,162 alleles (0.00012%); highest among the groups gnomAD compares: Non-Finnish European, 0.00017%; no homozygotes.

Submission:

Myriad Genetics, Inc.
Classification: Uncertain significance for Atransferrinemia. Last evaluated: 2026-01-23. Review status: criteria provided, single submitter. Criteria: Myriad Autosomal Dominant, Autosomal Recessive and X-Linked Classification Criteria (2023). Collection method: clinical testing. Allele origin: unknown.
Comment: NM_001063.3(TF):c.2063C>A(S688*) is a nonsense variant classified as a variant of uncertain significance in the context of atransferrinemia. S688* has not been observed in cases with relevant disease. Relevant functional assessments of this variant are not available in the literature. S688* has not been observed in referenced population frequency databases. In summary, there is insufficient evidence to classify NM_001063.3(TF):c.2063C>A(S688*) as pathogenic or benign. Please note: this variant was assessed in the context of healthy population screening.